The following is an entry in ClinVar:

ClinVar aggregate classification (germline): Conflicting classifications of pathogenicity. Review status: criteria provided, conflicting classifications (1 of 4 stars). 6 submissions from 6 submitters: Uncertain significance (5); Likely benign (1). Last evaluated 2025-06-30.

Conditions:
Hereditary cancer-predisposing syndrome. Also called: Neoplastic Syndromes, Hereditary; Hereditary Cancer Syndrome; Hereditary neoplastic syndrome; Tumor predisposition. Identifiers: Orphanet 140162, MedGen C0027672, MeSH D009386, MONDO:0015356.
Breast-ovarian cancer, familial, susceptibility to, 2 (BROVCA2). Also called: BRCA2 Hereditary Breast and Ovarian Cancer. Identifiers: Orphanet 145, MedGen C2675520, MONDO:0012933, OMIM 612555. Disease mechanism: loss of function.
Fanconi anemia complementation group D1. Also called: BRCA2-Related Fanconi Anemia. Identifiers: Orphanet 319462, MedGen C1838457, MONDO:0011584, OMIM 605724.
Wilms tumor 1 (WT1). Also called: Wilms tumor, somatic. Identifiers: Orphanet 654, MedGen CN033288, MONDO:0008679, OMIM 194070.
Familial cancer of breast. Also called: BREAST CANCER, FAMILIAL; Hereditary breast cancer; hereditary breast carcinoma. Identifiers: Orphanet 227535, MedGen C0346153, MONDO:0016419, OMIM 114480. Disease mechanism: loss of function.
Medulloblastoma (MDB). Also called: Medulloblastoma, somatic; MEDULLOBLASTOMA PREDISPOSITION SYNDROME. Identifiers: Orphanet 616, MedGen C0025149, MeSH D008527, MONDO:0007959, OMIM 155255, HP:0002885.
Prostate cancer. Also called: Malignant tumor of prostate. Identifiers: Orphanet 1331, MedGen C0376358, MONDO:0008315, HP:0012125.
Pancreatic cancer, susceptibility to, 2. Identifiers: Orphanet 1333, MedGen C3150546, MONDO:0013235, OMIM 613347.
Glioma susceptibility 3 (GLM3). Also called: Glioblastoma 3. Identifiers: Orphanet 182067, Orphanet 360, MedGen C2751641, MONDO:0013093, OMIM 613029.
BRCA2-related cancer predisposition. Identifiers: MedGen CN377758, MONDO:0700269.
Hereditary breast ovarian cancer syndrome. Also called: Hereditary breast and ovarian cancer syndrome; Breast and ovarian cancer; Hereditary breast and ovarian cancer syndrome (HBOC); Hereditary breast and/or ovarian cancer syndrome; Hereditary breast and ovarian cancer; BRCA1- and BRCA2-Associated Hereditary Breast and Ovarian Cancer. Identifiers: Orphanet 145, MedGen C0677776, MeSH D061325, MONDO:0003582. Disease mechanism: loss of function.

gnomAD v4.1: 13 of 1,606,004 alleles (0.00081%); highest among the groups gnomAD compares: Non-Finnish European, 0.001%; no homozygotes.

Submissions (6):

Ambry Genetics
Classification: Uncertain significance for Hereditary cancer-predisposing syndrome. Last evaluated: 2025-06-30. Review status: criteria provided, single submitter. Criteria: Ambry Variant Classification Scheme 2023. Collection method: clinical testing. Allele origin: germline.
Comment: The p.I2177T variant (also known as c.6530T>C), located in coding exon 10 of the BRCA2 gene, results from a T to C substitution at nucleotide position 6530. The isoleucine at codon 2177 is replaced by threonine, an amino acid with similar properties. This alteration was identified in an individual diagnosed with triple negative breast cancer (Wong-Brown MW et al. Breast Cancer Res Treat, 2015 Feb;150:71-80). This amino acid position is not well conserved in available vertebrate species, and threonine is the reference amino acid in other vertebrate species. In addition, this alteration is predicted to be tolerated by in silico analysis. Based on the available evidence, the clinical significance of this variant remains unclear.

Labcorp Genetics (formerly Invitae), Labcorp
Classification: Uncertain significance for Hereditary breast ovarian cancer syndrome. Last evaluated: 2024-10-16. Review status: criteria provided, single submitter. Criteria: Invitae Variant Classification Sherloc (09022015). Collection method: clinical testing. Allele origin: germline.
Comment: This sequence change replaces isoleucine, which is neutral and non-polar, with threonine, which is neutral and polar, at codon 2177 of the BRCA2 protein (p.Ile2177Thr). This variant is not present in population databases (gnomAD no frequency). This variant has not been reported in the literature in individuals affected with BRCA2-related conditions. ClinVar contains an entry for this variant (Variation ID: 409549). Invitae Evidence Modeling of protein sequence and biophysical properties (such as structural, functional, and spatial information, amino acid conservation, physicochemical variation, residue mobility, and thermodynamic stability) indicates that this missense variant is not expected to disrupt BRCA2 protein function with a negative predictive value of 95%. In summary, the available evidence is currently insufficient to determine the role of this variant in disease. Therefore, it has been classified as a Variant of Uncertain Significance.

All of Us Research Program, National Institutes of Health
Classification: Uncertain significance for BRCA2-related cancer predisposition. Last evaluated: 2024-02-22. Review status: criteria provided, single submitter. Criteria: ACMG Guidelines, 2015. Collection method: clinical testing. Allele origin: germline. Inheritance: Autosomal dominant inheritance. Observed: 1 variant allele, 1 heterozygote.
Comment: This missense variant replaces isoleucine with threonine at codon 2177 of the BRCA2 protein. Computational prediction suggests that this variant may not impact protein structure and function. To our knowledge, functional studies have not been reported for this variant. This variant has been reported in an individual affected with breast cancer (PMID: 25682074). This variant has not been identified in the general population by the Genome Aggregation Database (gnomAD). The available evidence is insufficient to determine the role of this variant in disease conclusively. Therefore, this variant is classified as a Variant of Uncertain Significance.

This study involves interpretation of variants in research participants for the purpose of population health screening. Participant phenotype was not available at the time of variant classification. Additional details can be found in publication PMID: 35346344, PMCID: PMC8962531

Color Diagnostics, LLC DBA Color Health
Classification: Uncertain significance for Hereditary cancer-predisposing syndrome. Last evaluated: 2024-01-31. Review status: criteria provided, single submitter. Criteria: ACMG Guidelines, 2015. Collection method: clinical testing. Allele origin: germline.
Comment: This missense variant replaces isoleucine with threonine at codon 2177 of the BRCA2 protein. Computational prediction suggests that this variant may not impact protein structure and function. To our knowledge, functional studies have not been reported for this variant. This variant has been reported in an individual affected with breast cancer (PMID: 25682074). This variant has not been identified in the general population by the Genome Aggregation Database (gnomAD). The available evidence is insufficient to determine the role of this variant in disease conclusively. Therefore, this variant is classified as a Variant of Uncertain Significance.

University of Washington Department of Laboratory Medicine, University of Washington
Classification: Likely benign for Hereditary cancer-predisposing syndrome. Last evaluated: 2023-03-23. Review status: criteria provided, single submitter. Criteria: Dines et al. (Genet Med. 2020). Collection method: curation. Allele origin: germline.
Comment: Missense variant in a coldspot region where missense variants are very unlikely to be pathogenic (PMID:31911673).

BRCA2 exon 11 coldspot. Reclassification based on statistical prior probability.

Fulgent Genetics
Classification: Uncertain significance for Familial cancer of breast; Medulloblastoma; Familial prostate cancer; Wilms tumor 1; Fanconi anemia complementation group D1; Breast-ovarian cancer, familial, susceptibility to, 2; Glioma susceptibility 3; Pancreatic cancer, susceptibility to, 2. Last evaluated: 2022-03-17. Review status: criteria provided, single submitter. Criteria: ACMG Guidelines, 2015. Collection method: clinical testing. Allele origin: unknown.

Literature cited by the submitters: PubMed 25682074 (cited by 3 submitters).

NM_000059.4(BRCA2):c.6530T>C (p.Ile2177Thr)

Gene: BRCA2 (BRCA2 DNA repair associated; plus strand). Cytogenetic location: 13q13.1.
Variant type: single nucleotide variant.
Coding change: c.6530T>C on transcript NM_000059.4 (MANE Select); coding-DNA position 6530, T replaced by C.
Protein change: p.Ile2177Thr; replaces isoleucine 2177 with threonine.
Molecular consequence: missense variant.
Genome position (GRCh38, 1-based): chr13:32,340,885, T>C. VCF-style: chr13-32340885-T-C. GRCh37 (hg19) VCF-style: chr13-32915022-T-C.
Other names: short protein forms I2177T.
Identifiers: ClinVar variation 409549 (VCV000409549.20), dbSNP rs1060502462, ClinGen allele CA16613906.